The following is an entry in ClinVar:

ClinVar aggregate classification (germline): Uncertain significance (1 of 4 stars; one submission).

Conditions:
Adams-Oliver syndrome 5 (AOS5). Identifiers: Orphanet 974, MedGen C4014970, MONDO:0014459, OMIM 616028.

gnomAD v4.1: 5 of 1,611,680 alleles (0.00031%); highest among the groups gnomAD compares: Non-Finnish European, 0.00034%; no homozygotes.

Submission:

Labcorp Genetics (formerly Invitae), Labcorp
Classification: Uncertain significance for Adams-Oliver syndrome 5. Last evaluated: 2020-02-07. Review status: criteria provided, single submitter. Criteria: Invitae Variant Classification Sherloc (09022015). Collection method: clinical testing. Allele origin: germline.
Comment: In summary, the available evidence is currently insufficient to determine the role of this variant in disease. Therefore, it has been classified as a Variant of Uncertain Significance. Algorithms developed to predict the effect of missense changes on protein structure and function (SIFT, PolyPhen-2, Align-GVGD) all suggest that this variant is likely to be disruptive, but these predictions have not been confirmed by published functional studies and their clinical significance is uncertain. This variant has not been reported in the literature in individuals with NOTCH1-related disease. This variant is not present in population databases (ExAC no frequency). This sequence change replaces glycine with arginine at codon 1503 of the NOTCH1 protein (p.Gly1503Arg). The glycine residue is highly conserved and there is a moderate physicochemical difference between glycine and arginine.

NM_017617.5(NOTCH1):c.4507G>C (p.Gly1503Arg)

Gene: NOTCH1 (notch receptor 1; minus strand). Cytogenetic location: 9q34.3.
Variant type: single nucleotide variant.
Coding change: c.4507G>C on transcript NM_017617.5 (MANE Select); coding-DNA position 4507, G replaced by C.
Protein change: p.Gly1503Arg; replaces glycine 1503 with arginine.
Molecular consequence: missense variant.
Genome position (GRCh38, 1-based): chr9:136,505,389, C>G on the plus strand (G>C on the coding strand, the complement: NOTCH1 is on the minus strand). VCF-style: chr9-136505389-C-G. GRCh37 (hg19) VCF-style: chr9-139399841-C-G.
Other names: c.4507G>C, p.Gly1503Arg (LRG_1122t1); short protein forms G1503R.
Identifiers: ClinVar variation 658466 (VCV000658466.8), dbSNP rs1243264280, ClinGen allele CA375647037.